The following is an entry in ClinVar:

NM_006348.3(COG5):c.-387C>G

Genes: COG5 (component of oligomeric golgi complex 5; minus strand), DUS4L (dihydrouridine synthase 4 like; plus strand), DUS4L-BCAP29 (DUS4L-BCAP29 readthrough; plus strand). Cytogenetic location: 7q22.3.
Variant type: single nucleotide variant.
Coding change: c.-387C>G on transcript NM_006348.3; 387 bases upstream of the start codon, C replaced by G.
Molecular consequence: intron variant (on NM_181581.3).
Genome position (GRCh38, 1-based): chr7:107,564,376, G>C on the plus strand (C>G on the coding strand, the complement: COG5 is on the minus strand). VCF-style: chr7-107564376-G-C. GRCh37 (hg19) VCF-style: chr7-107204821-G-C.
Other names: c.-111+129G>C (NM_001371365.2); c.-111+167G>C (NM_001371364.2, NM_001371366.2, NM_181581.3); c.-22+167G>C (NM_001371367.2); c.-110-212G>C (NM_001270419.2).
Identifiers: ClinVar variation 358489 (VCV000358489.7), dbSNP rs115371930, ClinGen allele CA10627898.
Genomic context (GRCh38, chr7:107,564,376, plus strand): 5'-AGCTTCGTTTGCCCTCCACACTCACAAGAGTCACGCGTTAGTTGCTACACAGCTTTATCT[G>C]TTCCACGCCTTGATTGGCACTCCTGGGGTAATAAAAGCCCGCAGGAAATGCTTGGGAAGA-3'

ClinVar aggregate classification (germline): Benign/Likely benign. Review status: criteria provided, multiple submitters, no conflicts (2 of 4 stars). 2 submissions from 2 submitters: Benign (1); Likely benign (1). Last evaluated 2021-11-04.

Conditions:
COG5-congenital disorder of glycosylation. Also called: COG5-CDG; CDG IIi; CONGENITAL DISORDER OF GLYCOSYLATION, TYPE IIi. Identifiers: Orphanet 263487, MedGen C3150876, MONDO:0013325, OMIM 613612.

Allele frequency attached by ClinVar (database versions not stated): gnomAD 0.01432 and 0.01547; gnomAD exomes 0.00097; 1000 Genomes Project 0.01617; TOPMed 0.01629; 1000 Genomes Project 30x 0.01671.

Submissions (2):

GeneDx
Classification: Likely benign. Last evaluated: 2021-11-04. Review status: criteria provided, single submitter. Criteria: GeneDx Variant Classification Process June 2021. Collection method: clinical testing. Allele origin: germline. Affected: yes.
Comment: See Variant Classification Assertion Criteria.

Illumina Laboratory Services, Illumina
Classification: Benign for COG5-congenital disorder of glycosylation. Last evaluated: 2018-01-13. Review status: criteria provided, single submitter. Criteria: ICSL Variant Classification Criteria 13 December 2019. Collection method: clinical testing. Allele origin: germline.
Comment: This variant was observed in the ICSL laboratory as part of a predisposition screen in an ostensibly healthy population. It had not been previously curated by ICSL or reported in the Human Gene Mutation Database (HGMD: prior to June 1st, 2018), and was therefore a candidate for classification through an automated scoring system. Utilizing variant allele frequency, disease prevalence and penetrance estimates, and inheritance mode, an automated score was calculated to assess if this variant is too frequent to cause the disease. Based on the score and internal cut-off values, a variant classified as benign is not then subjected to further curation. The score for this variant resulted in a classification of benign for this disease.